The following is an entry in ClinVar:

ClinVar aggregate classification (germline): Pathogenic (1 of 4 stars; one submission).

Conditions:
Glycogen storage disease, type IV (GSD4). Also called: AMYLOPECTINOSIS; ANDERSEN DISEASE; BRANCHER DEFICIENCY; CIRRHOSIS, FAMILIAL, WITH DEPOSITION OF ABNORMAL GLYCOGEN; GBE1 DEFICIENCY; GLYCOGEN BRANCHING ENZYME DEFICIENCY. Identifiers: Orphanet 367, MedGen C0017923, MONDO:0009292, OMIM 232500.

Submission:

Myriad Genetics, Inc.
Classification: Pathogenic for Glycogen storage disease, type IV. Last evaluated: 2025-11-10. Review status: criteria provided, single submitter. Criteria: Myriad Autosomal Dominant, Autosomal Recessive and X-Linked Classification Criteria (2023). Collection method: clinical testing. Allele origin: unknown.
Comment: NM_000158.3(GBE1):c.1155_1158delAGATinsCC(D386Rfs*26) is expected to be pathogenic in the context of glycogen storage disease, GBE1-related. This variant is predicted to lead to an abnormal or absent protein product due to the creation of a premature termination codon in GBE1, a gene where loss-of-function variants are known to be pathogenic. Please note: this variant was assessed in the context of healthy population screening.

NM_000158.4(GBE1):c.1155_1158delinsCC (p.Asp386fs)

Gene: GBE1 (1,4-alpha-glucan branching enzyme 1; minus strand). Cytogenetic location: 3p12.2.
Variant type: Indel.
Coding change: c.1155_1158delinsCC on transcript NM_000158.4 (MANE Select); coding-DNA positions 1155 to 1158, AGAT replaced by CC.
Protein change: p.Asp386fs; shifts the reading frame from aspartic acid 386.
Molecular consequence: frameshift variant.
Genome position (GRCh38, 1-based): chr3:81,591,115-81,591,118, ATCT replaced by GG on the plus strand (AGAT replaced by CC on the coding strand, the reverse complement: GBE1 is on the minus strand). VCF-style: chr3-81591115-ATCT-GG. GRCh37 (hg19) VCF-style: chr3-81640266-ATCT-GG.
Other names: short protein forms D386fs.
Identifiers: ClinVar variation 5015201 (VCV005015201.1).